The following is an entry in ClinVar:

NM_002470.4(MYH3):c.2963A>C (p.Glu988Ala)

Gene: MYH3 (myosin heavy chain 3; minus strand). Cytogenetic location: 17p13.1.
Variant type: single nucleotide variant.
Coding change: c.2963A>C on transcript NM_002470.4 (MANE Select); coding-DNA position 2963, A replaced by C.
Protein change: p.Glu988Ala; replaces glutamic acid 988 with alanine.
Molecular consequence: missense variant.
Genome position (GRCh38, 1-based): chr17:10,639,437, T>G on the plus strand (A>C on the coding strand, the complement: MYH3 is on the minus strand). VCF-style: chr17-10639437-T-G. GRCh37 (hg19) VCF-style: chr17-10542754-T-G.
Other names: short protein forms E988A.
Identifiers: ClinVar variation 2821123 (VCV002821123.3), dbSNP rs2508598006, ClinGen allele CA398156097.

ClinVar aggregate classification (germline): Uncertain significance (1 of 4 stars; one submission).

gnomAD v4.1: 1 of 1,614,092 alleles (0.000062%); highest among the groups gnomAD compares: African/African-American, 0.0013%; no homozygotes.

Submission:

Labcorp Genetics (formerly Invitae), Labcorp
Classification: Uncertain significance. Last evaluated: 2024-08-05. Review status: criteria provided, single submitter. Criteria: Invitae Variant Classification Sherloc (09022015). Collection method: clinical testing. Allele origin: germline.
Comment: This sequence change replaces glutamic acid, which is acidic and polar, with alanine, which is neutral and non-polar, at codon 988 of the MYH3 protein (p.Glu988Ala). This variant is not present in population databases (gnomAD no frequency). This variant has not been reported in the literature in individuals affected with MYH3-related conditions. Advanced modeling of protein sequence and biophysical properties (such as structural, functional, and spatial information, amino acid conservation, physicochemical variation, residue mobility, and thermodynamic stability) performed at Invitae indicates that this missense variant is not expected to disrupt MYH3 protein function with a negative predictive value of 95%. In summary, the available evidence is currently insufficient to determine the role of this variant in disease. Therefore, it has been classified as a Variant of Uncertain Significance.